The following is an entry in ClinVar:

NM_005591.4(MRE11):c.484A>T (p.Ile162Leu)

Gene: MRE11 (MRE11 double strand break repair nuclease; minus strand). Cytogenetic location: 11q21.
Variant type: single nucleotide variant.
Coding change: c.484A>T on transcript NM_005591.4 (MANE Select); coding-DNA position 484, A replaced by T.
Protein change: p.Ile162Leu; replaces isoleucine 162 with leucine.
Molecular consequence: missense variant.
Genome position (GRCh38, 1-based): chr11:94,478,795, T>A on the plus strand (A>T on the coding strand, the complement: MRE11 is on the minus strand). VCF-style: chr11-94478795-T-A. GRCh37 (hg19) VCF-style: chr11-94211961-T-A.
Other names: c.484A>T, p.Ile162Leu (NM_001330347.2, NM_005590.4); short protein forms I162L.
Identifiers: ClinVar variation 941360 (VCV000941360.13), dbSNP rs1207095262, ClinGen allele CA382377467.

ClinVar aggregate classification (germline): Uncertain significance. Review status: criteria provided, multiple submitters, no conflicts (2 of 4 stars). 3 submissions from 3 submitters: Uncertain significance (3). Last evaluated 2023-11-17.

Conditions:
Ataxia-telangiectasia-like disorder (ATLD). Identifiers: MedGen C1858391, MONDO:0011457.
Ataxia-telangiectasia-like disorder 1 (ATLD1). Identifiers: Orphanet 251347, MedGen C4012790, MONDO:0024557, OMIM 604391.
Hereditary cancer-predisposing syndrome. Also called: Hereditary neoplastic syndrome; Neoplastic Syndromes, Hereditary; Tumor predisposition; Hereditary Cancer Syndrome. Identifiers: Orphanet 140162, MedGen C0027672, MeSH D009386, MONDO:0015356.

Allele frequency attached by ClinVar (database versions not stated): gnomAD 0.00001; TOPMed 0.00001.
gnomAD v4.1: 1 of 1,613,698 alleles (0.000062%); highest among the groups gnomAD compares: Non-Finnish European, 0.000085%; no homozygotes.

Submissions (3):

Baylor Genetics
Classification: Uncertain significance for Ataxia-telangiectasia-like disorder 1. Last evaluated: 2023-11-17. Review status: criteria provided, single submitter. Criteria: ACMG Guidelines, 2015. Collection method: clinical testing. Allele origin: unknown.

Labcorp Genetics (formerly Invitae), Labcorp
Classification: Uncertain significance for Ataxia-telangiectasia-like disorder. Last evaluated: 2021-04-28. Review status: criteria provided, single submitter. Criteria: Invitae Variant Classification Sherloc (09022015). Collection method: clinical testing. Allele origin: germline.
Comment: This variant is not present in population databases (ExAC no frequency). In summary, the available evidence is currently insufficient to determine the role of this variant in disease. Therefore, it has been classified as a Variant of Uncertain Significance. Algorithms developed to predict the effect of missense changes on protein structure and function (SIFT, PolyPhen-2, Align-GVGD) all suggest that this variant is likely to be tolerated, but these predictions have not been confirmed by published functional studies and their clinical significance is uncertain. This variant has not been reported in the literature in individuals with MRE11-related conditions. This sequence change replaces isoleucine with leucine at codon 162 of the MRE11 protein (p.Ile162Leu). The isoleucine residue is moderately conserved and there is a small physicochemical difference between isoleucine and leucine.

Ambry Genetics
Classification: Uncertain significance for Hereditary cancer-predisposing syndrome. Last evaluated: 2021-03-24. Review status: criteria provided, single submitter. Criteria: Ambry Variant Classification Scheme 2023. Collection method: clinical testing. Allele origin: germline.
Comment: The p.I162L variant (also known as c.484A>T), located in coding exon 5 of the MRE11A gene, results from an A to T substitution at nucleotide position 484. The isoleucine at codon 162 is replaced by leucine, an amino acid with highly similar properties. This amino acid position is well conserved in available vertebrate species. In addition, the in silico prediction for this alteration is inconclusive. Since supporting evidence is limited at this time, the clinical significance of this alteration remains unclear.